The following is an entry in ClinVar:

NM_001379081.2(FREM1):c.4477G>A (p.Gly1493Arg)

Gene: FREM1 (FRAS1 related extracellular matrix 1; minus strand). Cytogenetic location: 9p22.3.
Variant type: single nucleotide variant.
Coding change: c.4477G>A on transcript NM_001379081.2 (MANE Select); coding-DNA position 4477, G replaced by A.
Protein change: p.Gly1493Arg; replaces glycine 1493 with arginine.
Molecular consequence: missense variant. On other transcripts: non-coding transcript variant (2).
Genome position (GRCh38, 1-based): chr9:14,776,169, C>T on the plus strand (G>A on the coding strand, the complement: FREM1 is on the minus strand). VCF-style: chr9-14776169-C-T. GRCh37 (hg19) VCF-style: chr9-14776167-C-T.
Other names: c.85G>A, p.Gly29Arg (NM_001177704.3, NM_001370058.2, NM_001370061.2); c.4477G>A, p.Gly1493Arg (NM_144966.7); short protein forms G29R, G1493R.
Identifiers: ClinVar variation 1368102 (VCV001368102.5), dbSNP rs536683402, ClinGen allele CA189360626.
Genomic context (GRCh38, chr9:14,776,169, plus strand): 5'-TGTTCCTGGTTACCACAGGCAGGGCTCTGTCCACAGTCTCCAGTGTGATCTCAAACACCC[C>T]GTGCTCGGTCCGCAGTCCATTGCTGATGATGAATCTGGTAAAGAGAGGCAAGGCAGCCTT-3'
Protein context (NP_001366010.1, residues 1483-1503): IISNGLRTEH[Gly1493Arg]VFEITLETVD

ClinVar aggregate classification (germline): Uncertain significance. Review status: criteria provided, multiple submitters, no conflicts (2 of 4 stars). 3 submissions from 3 submitters: Uncertain significance (3). Last evaluated 2025-12-08.

Conditions:
BNAR syndrome. Also called: Bifid Nose With or Without Anorectal and Renal Anomalies (BNAR) Syndrome. Identifiers: Orphanet 217266, MedGen C2750433, MONDO:0012165, OMIM 608980.
Oculotrichoanal syndrome (MOTA). Also called: Manitoba Oculotrichoanal (MOTA) Syndrome; MARLES SYNDROME. Identifiers: Orphanet 2717, MedGen C1855425, MONDO:0009560, OMIM 248450.
Trigonocephaly 2 (TRIGNO2). Identifiers: Orphanet 3366, MedGen C3280974, MONDO:0013774, OMIM 614485.
Inborn genetic diseases. Identifiers: MedGen C0950123, MeSH D030342.

Allele frequency attached by ClinVar (database versions not stated): gnomAD 0.00001 and 0.00002; TOPMed 0.00001; gnomAD exomes 0.00001.
gnomAD v4.1: 21 of 1,540,214 alleles (0.0014%); highest among the groups gnomAD compares: Middle Eastern, 0.018%; no homozygotes.

Submissions (3):

Ambry Genetics
Classification: Uncertain significance for Inborn genetic diseases. Last evaluated: 2025-12-08. Review status: criteria provided, single submitter. Criteria: Ambry Variant Classification Scheme 2023. Collection method: clinical testing. Allele origin: germline.

Labcorp Genetics (formerly Invitae), Labcorp
Classification: Uncertain significance. Last evaluated: 2022-08-06. Review status: criteria provided, single submitter. Criteria: Invitae Variant Classification Sherloc (09022015). Collection method: clinical testing. Allele origin: germline.
Comment: This sequence change replaces glycine, which is neutral and non-polar, with arginine, which is basic and polar, at codon 1493 of the FREM1 protein (p.Gly1493Arg). This variant is not present in population databases (gnomAD no frequency). This variant has not been reported in the literature in individuals affected with FREM1-related conditions. ClinVar contains an entry for this variant (Variation ID: 1368102). Algorithms developed to predict the effect of missense changes on protein structure and function are either unavailable or do not agree on the potential impact of this missense change (SIFT: "Deleterious"; PolyPhen-2: "Probably Damaging"; Align-GVGD: "Class C0"). In summary, the available evidence is currently insufficient to determine the role of this variant in disease. Therefore, it has been classified as a Variant of Uncertain Significance.

Fulgent Genetics
Classification: Uncertain significance for Oculotrichoanal syndrome; BNAR syndrome; Trigonocephaly 2. Last evaluated: 2021-10-28. Review status: criteria provided, single submitter. Criteria: ACMG Guidelines, 2015. Collection method: clinical testing. Allele origin: unknown.